The following is an entry in ClinVar:

ClinVar aggregate classification (germline): Uncertain significance (1 of 4 stars; one submission).

gnomAD v4.1: 1 of 1,582,518 alleles (0.000063%); highest among the groups gnomAD compares: African/African-American, 0.0014%; no homozygotes.

Submission:

Labcorp Genetics (formerly Invitae), Labcorp
Classification: Uncertain significance. Last evaluated: 2025-01-07. Review status: criteria provided, single submitter. Criteria: Invitae Variant Classification Sherloc (09022015). Collection method: clinical testing. Allele origin: germline.
Comment: This sequence change replaces glutamine, which is neutral and polar, with lysine, which is basic and polar, at codon 666 of the IFT88 protein (p.Gln666Lys). This variant is not present in population databases (gnomAD no frequency). This variant has not been reported in the literature in individuals affected with IFT88-related conditions. An algorithm developed to predict the effect of missense changes on protein structure and function (PolyPhen-2) suggests that this variant is likely to be tolerated. In summary, the available evidence is currently insufficient to determine the role of this variant in disease. Therefore, it has been classified as a Variant of Uncertain Significance.

NM_006531.5(IFT88):c.1969C>A (p.Gln657Lys)

Gene: IFT88 (intraflagellar transport 88; plus strand). Cytogenetic location: 13q12.11.
Variant type: single nucleotide variant.
Coding change: c.1969C>A on transcript NM_006531.5 (MANE Select); coding-DNA position 1969, C replaced by A.
Protein change: p.Gln657Lys; replaces glutamine 657 with lysine.
Molecular consequence: missense variant. On other transcripts: non-coding transcript variant (5).
Genome position (GRCh38, 1-based): chr13:20,653,895, C>A. VCF-style: chr13-20653895-C-A. GRCh37 (hg19) VCF-style: chr13-21228034-C-A.
Other names: c.1912C>A, p.Gln638Lys (NM_001318491.2, NM_001353575.2); c.1996C>A, p.Gln666Lys (NM_001318493.2, NM_001353565.2, NM_001353566.2 and 2 more transcripts); c.1969C>A, p.Gln657Lys (NM_001353568.2, NM_001353572.2); c.1894C>A, p.Gln632Lys (NM_001353569.2, NM_001353570.2, NM_001353576.2 and 1 more transcripts); c.1867C>A, p.Gln623Lys (NM_001353571.2, NM_001353578.2); c.1825C>A, p.Gln609Lys (NM_001353573.2); c.1810C>A, p.Gln604Lys (NM_001353574.2); c.1336C>A, p.Gln446Lys (NM_001353579.2); short protein forms Q623K, Q632K, Q604K, Q638K, Q657K, Q666K, Q446K, Q609K.
Identifiers: ClinVar variation 3728634 (VCV003728634.2).